The following is an entry in ClinVar:

NM_000744.7(CHRNA4):c.443G>A (p.Arg148Gln)

Gene: CHRNA4 (cholinergic receptor nicotinic alpha 4 subunit; minus strand). Cytogenetic location: 20q13.33.
Variant type: single nucleotide variant.
Coding change: c.443G>A on transcript NM_000744.7 (MANE Select); coding-DNA position 443, G replaced by A.
Protein change: p.Arg148Gln; replaces arginine 148 with glutamine.
Molecular consequence: missense variant. On other transcripts: 5 prime UTR variant (1), non-coding transcript variant (1).
Genome position (GRCh38, 1-based): chr20:63,350,968, C>T on the plus strand (G>A on the coding strand, the complement: CHRNA4 is on the minus strand). VCF-style: chr20-63350968-C-T. GRCh37 (hg19) VCF-style: chr20-61982320-C-T.
Other names: c.-86G>A (NM_001256573.2); short protein forms R148Q.
Identifiers: ClinVar variation 2142036 (VCV002142036.5), dbSNP rs941063587, ClinGen allele CA317436423.

ClinVar aggregate classification (germline): Uncertain significance. Review status: criteria provided, multiple submitters, no conflicts (2 of 4 stars). 2 submissions from 2 submitters: Uncertain significance (2). Last evaluated 2026-01-28.

Conditions:
Familial sleep-related hypermotor epilepsy. Also called: Autosomal Dominant Sleep-Related Hypermotor (Hyperkinetic) Epilepsy. Identifiers: Orphanet 98784, MedGen C3696898, MONDO:0000030.

Allele frequency attached by ClinVar (database versions not stated): TOPMed 0.00002; gnomAD 0.00001.
gnomAD v4.1: 5 of 1,613,610 alleles (0.00031%); highest among the groups gnomAD compares: Non-Finnish European, 0.00034%; no homozygotes.

Submissions (2):

Labcorp Genetics (formerly Invitae), Labcorp
Classification: Uncertain significance. Last evaluated: 2026-01-28. Review status: criteria provided, single submitter. Criteria: Invitae Variant Classification Sherloc (09022015). Collection method: clinical testing. Allele origin: germline.
Comment: This sequence change replaces arginine, which is basic and polar, with glutamine, which is neutral and polar, at codon 148 of the CHRNA4 protein (p.Arg148Gln). This variant is not present in population databases (gnomAD no frequency). This variant has not been reported in the literature in individuals affected with CHRNA4-related conditions. ClinVar contains an entry for this variant (Variation ID: 2142036). Invitae Evidence Modeling of protein sequence and biophysical properties (such as structural, functional, and spatial information, amino acid conservation, physicochemical variation, residue mobility, and thermodynamic stability) indicates that this missense variant is not expected to disrupt CHRNA4 protein function with a negative predictive value of 80%. In summary, the available evidence is currently insufficient to determine the role of this variant in disease. Therefore, it has been classified as a Variant of Uncertain Significance.

ARUP Laboratories, Molecular Genetics and Genomics, ARUP Laboratories
Classification: Uncertain significance. Last evaluated: 2025-07-17. Review status: criteria provided, single submitter. Criteria: ARUP Molecular Germline Variant Investigation Process 2024. Collection method: clinical testing. Allele origin: germline.